The following is an entry in ClinVar:

ClinVar aggregate classification (germline): Likely benign. Review status: criteria provided, multiple submitters, no conflicts (2 of 4 stars). 3 submissions from 3 submitters: Likely benign (2). 1 of the submissions does not count toward it. Last evaluated 2025-08-24.

Conditions:
Charcot-Marie-Tooth disease dominant intermediate B (CMTDIB). Also called: CHARCOT-MARIE-TOOTH NEUROPATHY, DOMINANT INTERMEDIATE B; Charcot-Marie-Tooth disease dominant intermediate 1; CMT DI1; Charcot-Marie-Tooth disease dominant intermediate I. Identifiers: Orphanet 100044, Orphanet 228179, MedGen C1847902, MONDO:0011674, OMIM 606482.
DNM2-related disorder. Also called: DNM2-related condition.

Allele frequency attached by ClinVar (database versions not stated): ExAC 0.00001; gnomAD 0.00001; TOPMed 0.00003.

Submissions (3):

Labcorp Genetics (formerly Invitae), Labcorp
Classification: Likely benign for Charcot-Marie-Tooth disease dominant intermediate B. Last evaluated: 2025-08-24. Review status: criteria provided, single submitter. Criteria: Invitae Variant Classification Sherloc (09022015). Collection method: clinical testing. Allele origin: germline.

GeneDx
Classification: Likely benign. Last evaluated: 2018-04-09. Review status: criteria provided, single submitter. Criteria: GeneDx Variant Classification (06012015). Collection method: clinical testing. Allele origin: germline. Affected: yes.
Comment: This variant is considered likely benign or benign based on one or more of the following criteria: it is a conservative change, it occurs at a poorly conserved position in the protein, it is predicted to be benign by multiple in silico algorithms, and/or has population frequency not consistent with disease.

PreventionGenetics, part of Exact Sciences
Classification: Likely benign for DNM2-related condition. Last evaluated: 2021-05-26. Review status: no assertion criteria provided. Collection method: clinical testing. Allele origin: germline. Not counted in ClinVar's aggregate classification.
Comment: This variant is classified as likely benign based on ACMG/AMP sequence variant interpretation guidelines (Richards et al. 2015 PMID: 25741868, with internal and published modifications).

NM_001005361.3(DNM2):c.243C>T (p.Ala81=)

Gene: DNM2 (dynamin 2; plus strand). Cytogenetic location: 19p13.2.
Variant type: single nucleotide variant.
Coding change: c.243C>T on transcript NM_001005361.3 (MANE Select); coding-DNA position 243, C replaced by T.
Protein change: p.Ala81=; no amino-acid change (alanine 81 retained).
Molecular consequence: synonymous variant.
Genome position (GRCh38, 1-based): chr19:10,772,486, C>T. VCF-style: chr19-10772486-C-T. GRCh37 (hg19) VCF-style: chr19-10883162-C-T.
Other names: c.243C>T, p.Ala81= (NM_001005360.3, NM_001005362.3, NM_001190716.2 and 1 more transcripts).
Identifiers: ClinVar variation 681571 (VCV000681571.13), dbSNP rs755366581, ClinGen allele CA9200747.